The following is an entry in ClinVar:

ClinVar aggregate classification (germline): Likely benign (1 of 4 stars; one submission).

gnomAD v4.1: 7,793 of 1,601,098 alleles (0.49%); highest among the groups gnomAD compares: Non-Finnish European, 0.56%; 21 homozygotes.

Submission:

CeGaT Center for Human Genetics Tuebingen
Classification: Likely benign. Last evaluated: 2026-07-01. Review status: criteria provided, single submitter. Criteria: CeGaT Center For Human Genetics Tuebingen Variant Classification Criteria Version 2. Collection method: clinical testing. Allele origin: germline. Affected: yes. Observed: 2 variant alleles.
Comment: PXK: BP4, BP7, BS2

NM_017771.5(PXK):c.318T>C (p.Asn106=)

Gene: PXK (PX domain containing serine/threonine kinase like; plus strand). Cytogenetic location: 3p14.3.
Variant type: single nucleotide variant.
Coding change: c.318T>C on transcript NM_017771.5 (MANE Select); coding-DNA position 318, T replaced by C.
Protein change: p.Asn106=; no amino-acid change (asparagine 106 retained).
Molecular consequence: synonymous variant. On other transcripts: non-coding transcript variant (1), intron variant (13).
Genome position (GRCh38, 1-based): chr3:58,382,630, T>C. VCF-style: chr3-58382630-T-C. GRCh37 (hg19) VCF-style: chr3-58368357-T-C.
Other names: c.267T>C, p.Asn89= (NM_001289095.2, NM_001349496.2, NM_001349497.2 and 5 more transcripts); c.219T>C, p.Asn73= (NM_001289096.2, NM_001289100.2, NM_001349490.2 and 3 more transcripts); c.318T>C, p.Asn106= (NM_001289098.2, NM_001349488.2, NM_001349492.2 and 11 more transcripts); c.69T>C, p.Asn23= (NM_001289099.2, NM_001349489.2, NM_001349513.2 and 5 more transcripts); c.270T>C, p.Asn90= (NM_001349494.2, NM_001349495.2, NM_001349501.2 and 4 more transcripts); c.258T>C, p.Asn86= (NM_001349498.1); c.-23-7952T>C (NM_001349491.2, NM_001349533.2, NM_001349534.2 and 10 more transcripts).
Identifiers: ClinVar variation 3770627 (VCV003770627.13).